The following is an entry in ClinVar:

NM_001206927.2(DNAH8):c.7096G>C (p.Gly2366Arg)

Gene: DNAH8 (dynein axonemal heavy chain 8; plus strand). Cytogenetic location: 6p21.2.
Variant type: single nucleotide variant.
Coding change: c.7096G>C on transcript NM_001206927.2 (MANE Select); coding-DNA position 7096, G replaced by C.
Protein change: p.Gly2366Arg; replaces glycine 2366 with arginine.
Molecular consequence: missense variant.
Genome position (GRCh38, 1-based): chr6:38,872,641, G>C. VCF-style: chr6-38872641-G-C. GRCh37 (hg19) VCF-style: chr6-38840417-G-C.
Other names: c.6445G>C, p.Gly2149Arg (NM_001371.4); short protein forms G2366R, G2149R.
Identifiers: ClinVar variation 2902246 (VCV002902246.3), dbSNP rs549318995, ClinGen allele CA137597626.

ClinVar aggregate classification (germline): Uncertain significance (1 of 4 stars; one submission).

Conditions:
Primary ciliary dyskinesia. Also called: Ciliary dyskinesia. Identifiers: Orphanet 244, MedGen C0008780, MONDO:0016575, HP:0012265.

gnomAD v4.1: 4 of 1,613,982 alleles (0.00025%); highest among the groups gnomAD compares: Non-Finnish European, 0.00034%; no homozygotes.

Submission:

Labcorp Genetics (formerly Invitae), Labcorp
Classification: Uncertain significance for Primary ciliary dyskinesia. Last evaluated: 2023-03-20. Review status: criteria provided, single submitter. Criteria: Invitae Variant Classification Sherloc (09022015). Collection method: clinical testing. Allele origin: germline.
Comment: In summary, the available evidence is currently insufficient to determine the role of this variant in disease. Therefore, it has been classified as a Variant of Uncertain Significance. Advanced modeling of protein sequence and biophysical properties (such as structural, functional, and spatial information, amino acid conservation, physicochemical variation, residue mobility, and thermodynamic stability) performed at Invitae indicates that this missense variant is expected to disrupt DNAH8 protein function. This variant has not been reported in the literature in individuals affected with DNAH8-related conditions. This variant is present in population databases (no rsID available, gnomAD 0.0009%). This sequence change replaces glycine, which is neutral and non-polar, with arginine, which is basic and polar, at codon 2366 of the DNAH8 protein (p.Gly2366Arg).